The following is an entry in ClinVar:

NM_000059.4(BRCA2):c.2221G>T (p.Val741Leu)

Gene: BRCA2 (BRCA2 DNA repair associated; plus strand). Cytogenetic location: 13q13.1.
Variant type: single nucleotide variant.
Coding change: c.2221G>T on transcript NM_000059.4 (MANE Select); coding-DNA position 2221, G replaced by T.
Protein change: p.Val741Leu; replaces valine 741 with leucine.
Molecular consequence: missense variant.
Genome position (GRCh38, 1-based): chr13:32,336,576, G>T. VCF-style: chr13-32336576-G-T. GRCh37 (hg19) VCF-style: chr13-32910713-G-T.
Other names: short protein forms V741L.
Identifiers: ClinVar variation 51256 (VCV000051256.4), dbSNP rs80358493, ClinGen allele CA014641.

ClinVar aggregate classification (germline): Likely benign. Review status: criteria provided, single submitter (1 of 4 stars). 2 submissions from 2 submitters: Likely benign (1). 1 of the submissions does not count toward it. Last evaluated 2023-03-23.

Conditions:
Hereditary cancer-predisposing syndrome. Also called: Neoplastic Syndromes, Hereditary; Tumor predisposition; Hereditary Cancer Syndrome; Hereditary neoplastic syndrome. Identifiers: Orphanet 140162, MedGen C0027672, MeSH D009386, MONDO:0015356.
Breast-ovarian cancer, familial, susceptibility to, 2 (BROVCA2). Also called: BRCA2 Hereditary Breast and Ovarian Cancer. Identifiers: Orphanet 145, MedGen C2675520, MONDO:0012933, OMIM 612555. Disease mechanism: loss of function.

Submissions (2):

University of Washington Department of Laboratory Medicine, University of Washington
Classification: Likely benign for Hereditary cancer-predisposing syndrome. Last evaluated: 2023-03-23. Review status: criteria provided, single submitter. Criteria: Dines et al. (Genet Med. 2020). Collection method: curation. Allele origin: germline.
Comment: Missense variant in a coldspot region where missense variants are very unlikely to be pathogenic (PMID:31911673).

BRCA2 exon 11 coldspot. Reclassification based on statistical prior probability.

Breast Cancer Information Core (BIC) (BRCA2)
Classification: Uncertain significance for Breast-ovarian cancer, familial 2. Last evaluated: 2002-06-20. Review status: no assertion criteria provided. Collection method: clinical testing. Allele origin: germline. Affected: yes. Observed: 1 variant allele. Not counted in ClinVar's aggregate classification.